The following continues an entry in ClinVar:

NM_007294.4(BRCA1):c.4682C>T (p.Thr1561Ile)

Gene: BRCA1. ClinVar aggregate classification (germline): Benign/Likely benign. Benign (8); Likely benign (12).

Submissions 22 to 28 of 28:

CSER _CC_NCGL, University of Washington
Classification: Likely benign for Breast cancer. Last evaluated: 2014-06-01. Review status: no assertion criteria provided. Collection method: research. Allele origin: germline. Inheritance: Autosomal dominant inheritance. Study: ESP 6500 variant annotation. Not counted in ClinVar's aggregate classification.
Comment: Variants classified for the Actionable exomic incidental findings in 6503 participants: challenges of variant classification manuscript

Counsyl
Classification: Benign for Breast-ovarian cancer, familial 1. Last evaluated: 2014-04-26. Review status: no assertion criteria provided. Collection method: literature only. Allele origin: unknown. Inheritance: Autosomal dominant inheritance. Not counted in ClinVar's aggregate classification.

Sharing Clinical Reports Project (SCRP)
Classification: Benign for Breast-ovarian cancer, familial 1. Last evaluated: 2008-08-08. Review status: no assertion criteria provided. Collection method: clinical testing. Allele origin: germline. Not counted in ClinVar's aggregate classification.

Breast Cancer Information Core (BIC) (BRCA1)
Classification: Uncertain significance for Breast-ovarian cancer, familial 1. Last evaluated: 2002-05-29. Review status: no assertion criteria provided. Collection method: clinical testing. Allele origin: germline. Affected: yes. Observed: 26 variant alleles. Not counted in ClinVar's aggregate classification.

Clinical Genetics DNA and cytogenetics Diagnostics Lab, Erasmus MC, Erasmus Medical Center
Classification: Uncertain significance. Review status: no assertion criteria provided. Collection method: clinical testing. Allele origin: germline. Affected: yes. Study: VKGL Data-share Consensus. Not counted in ClinVar's aggregate classification.

Department of Pathology and Laboratory Medicine, Sinai Health System
Classification: Likely benign for Malignant tumor of breast. Review status: no assertion criteria provided. Collection method: clinical testing. Allele origin: unknown. Affected: yes. Observed: 1 variant allele. Study: The Canadian Open Genetics Repository (COGR). Not counted in ClinVar's aggregate classification.
Comment: The BRCA1 p.Thr1561Ile variant was identified in 3 of 806 proband chromosomes (frequency: 0.004) from individuals with breast or ovarian cancer and was absent in 432 control chromosomes from these studies (Durocher 1996, McKean-Cowdin 2005). The variant was also identified in at least 20 other patients from a data set 55630 patients undergoing clinical BRCA1 mutation screening (Judkins 2005). The p.Thr1561Ile variant was identified in HGMD, LOVD, the BIC database (26X with unknown clinical importance), and UMD (4X as a neutral variant). In UMD the variant was listed once as co-occurring with a known pathogenic mutation in BRCA1 (c.-200_80del (p.Met1SerfsX13)), and Judkins (2005) identified the variant in trans with a different pathogenic BRCA1 mutation (p.Cys64Tyr), increasing the likelihood that the p.Thr1561Ile variant does not have clinical importance. The variant was listed in dbSNP (ID: rs56158747) with a minor allele frequency of 0.002 (1000 Genomes Project), and in the NHLBI Exome Sequencing Project with a frequency of 0.005 in African American alleles, increasing the likelihood that this is a low frequency benign polymorphism in certain populations of origin. This residue is not conserved in mammals and computational analyses (PolyPhen-2, SIFT, AlignGVGD, BLOSUM) provide inconsistent predictions regarding the impact to the protein; this information is not very predictive of pathogenicity. Two functional studies using a yeast transcription activation assay found that the variant displayed wild-type activity (Carvalho 2007, Hayes 2000). In addition, Durocher (1996) found this variant in the germline but absent in a breast tumour from a patient, suggesting a benign effect of the variant on protein function. In summary, based on the above information, the clinical significance of this variant cannot be determined with certainty at this time although we would lean towards a more benign role for this variant. This variant is classified as predicted benign.

Joint Genome Diagnostic Labs from Nijmegen and Maastricht, Radboudumc and MUMC+
Classification: Uncertain significance. Review status: no assertion criteria provided. Collection method: clinical testing. Allele origin: germline. Affected: yes. Study: VKGL Data-share Consensus. Not counted in ClinVar's aggregate classification.

Literature cited by the submitters: PubMed 17308087 (cited by Department of Pathology and Laboratory Medicine, Sinai Health System); PubMed 8776600 (cited by Department of Pathology and Laboratory Medicine, Sinai Health System and Counsyl); PubMed 10811118 (cited by 3 submitters); PubMed 16267036 (cited by Department of Pathology and Laboratory Medicine, Sinai Health System and Counsyl); PubMed 15726418 (cited by Department of Pathology and Laboratory Medicine, Sinai Health System and Counsyl); DOI 10.3389/fgene.2022.834265 (cited by National Health Laboratory Service, Universitas Academic Hospital and University of the Free State); PubMed 36329109 (cited by Genetics Program, Instituto Nacional de Cancer); PubMed 24055113 (cited by Counsyl).